The following is an entry in ClinVar:

NM_001077350.3(NPRL3):c.465C>G (p.His155Gln)

Genes: HBA-LCR (alpha-globin locus control region; plus strand), NPRL3 (NPR3 like, GATOR1 complex subunit; minus strand). Cytogenetic location: 16p13.3.
Variant type: single nucleotide variant.
Coding change: c.465C>G on transcript NM_001077350.3 (MANE Select); coding-DNA position 465, C replaced by G.
Protein change: p.His155Gln; replaces histidine 155 with glutamine.
Molecular consequence: missense variant. On other transcripts: 5 prime UTR variant (1).
Genome position (GRCh38, 1-based): chr16:112,704, G>C on the plus strand (C>G on the coding strand, the complement: NPRL3 is on the minus strand). VCF-style: chr16-112704-G-C. GRCh37 (hg19) VCF-style: chr16-162703-G-C.
Other names: c.-73C>G (NM_001039476.3); c.231C>G, p.His77Gln (NM_001243247.2); c.390C>G, p.His130Gln (NM_001243248.2, NM_001243249.2); short protein forms H130Q, H77Q, H155Q.
Identifiers: ClinVar variation 1476106 (VCV001476106.6), dbSNP rs774187145, ClinGen allele CA393993919.

ClinVar aggregate classification (germline): Uncertain significance (1 of 4 stars; one submission).

Conditions:
Epilepsy, familial focal, with variable foci 3 (FFEVF3). Identifiers: MedGen C4310708, MONDO:0014925, OMIM 617118.

Submission:

Labcorp Genetics (formerly Invitae), Labcorp
Classification: Uncertain significance for Epilepsy, familial focal, with variable foci 3. Last evaluated: 2021-03-26. Review status: criteria provided, single submitter. Criteria: Invitae Variant Classification Sherloc (09022015). Collection method: clinical testing. Allele origin: germline.
Comment: In summary, the available evidence is currently insufficient to determine the role of this variant in disease. Therefore, it has been classified as a Variant of Uncertain Significance. Algorithms developed to predict the effect of missense changes on protein structure and function are either unavailable or do not agree on the potential impact of this missense change (SIFT: "Not Available"; PolyPhen-2: "Not Available"; Align-GVGD: "Not Available"). This variant has not been reported in the literature in individuals with NPRL3-related conditions. This variant is not present in population databases (ExAC no frequency). This sequence change replaces histidine with glutamine at codon 155 of the NPRL3 protein (p.His155Gln). The histidine residue is moderately conserved and there is a small physicochemical difference between histidine and glutamine.